The following is an entry in ClinVar:

NM_022089.4(ATP13A2):c.509G>T (p.Gly170Val)

Gene: ATP13A2 (ATPase cation transporting 13A2; minus strand). Cytogenetic location: 1p36.13.
Variant type: single nucleotide variant.
Coding change: c.509G>T on transcript NM_022089.4 (MANE Select); coding-DNA position 509, G replaced by T.
Protein change: p.Gly170Val; replaces glycine 170 with valine.
Molecular consequence: missense variant.
Genome position (GRCh38, 1-based): chr1:17,004,380, C>A on the plus strand (G>T on the coding strand, the complement: ATP13A2 is on the minus strand). VCF-style: chr1-17004380-C-A. GRCh37 (hg19) VCF-style: chr1-17330875-C-A.
Other names: c.494G>T, p.Gly165Val (NM_001141973.3, NM_001141974.3); short protein forms G170V, G165V.
Identifiers: ClinVar variation 651385 (VCV000651385.6), dbSNP rs1369312171, ClinGen allele CA338261855.

ClinVar aggregate classification (germline): Uncertain significance (1 of 4 stars; one submission).

Conditions:
Kufor-Rakeb syndrome (KRS). Also called: PARKINSON DISEASE 9, AUTOSOMAL RECESSIVE, JUVENILE-ONSET. Identifiers: Orphanet 306674, Orphanet 314632, MedGen C1847640, MONDO:0011706, OMIM 606693.
Autosomal recessive spastic paraplegia type 78. Identifiers: Orphanet 513436, MedGen C5567893, MONDO:0014975, OMIM 617225.

Allele frequency attached by ClinVar (database versions not stated): TOPMed below 0.00001; gnomAD 0.00001.

Submission:

Labcorp Genetics (formerly Invitae), Labcorp
Classification: Uncertain significance for Kufor-Rakeb syndrome; Autosomal recessive spastic paraplegia type 78. Last evaluated: 2021-06-26. Review status: criteria provided, single submitter. Criteria: Invitae Variant Classification Sherloc (09022015). Collection method: clinical testing. Allele origin: germline.
Comment: This variant is not present in population databases (ExAC no frequency). In summary, the available evidence is currently insufficient to determine the role of this variant in disease. Therefore, it has been classified as a Variant of Uncertain Significance. Algorithms developed to predict the effect of missense changes on protein structure and function are either unavailable or do not agree on the potential impact of this missense change (SIFT: "Tolerated"; PolyPhen-2: "Probably Damaging"; Align-GVGD: "Class C0"). This variant has not been reported in the literature in individuals with ATP13A2-related conditions. This sequence change replaces glycine with valine at codon 170 of the ATP13A2 protein (p.Gly170Val). The glycine residue is moderately conserved and there is a moderate physicochemical difference between glycine and valine.